The following is an entry in ClinVar:

ClinVar aggregate classification (germline): Uncertain significance (1 of 4 stars; one submission).

Conditions:
Hereditary pancreatitis (PCTT). Also called: Hereditary chronic pancreatitis; PRSS1-Related Hereditary Pancreatitis. Identifiers: Orphanet 676, MedGen C0238339, MONDO:0008185, OMIM 167800.

Submission:

Ambry Genetics
Classification: Uncertain significance for Hereditary pancreatitis. Last evaluated: 2024-06-07. Review status: criteria provided, single submitter. Criteria: Ambry Variant Classification Scheme 2023. Collection method: clinical testing. Allele origin: germline.
Comment: The p.P392S variant (also known as c.1174C>T), located in coding exon 10 of the CPA1 gene, results from a C to T substitution at nucleotide position 1174. The proline at codon 392 is replaced by serine, an amino acid with similar properties. This amino acid position is conserved. In addition, this alteration is predicted to be deleterious by in silico analysis. Based on the available evidence, the clinical significance of this variant remains unclear.

NM_001868.4(CPA1):c.1174C>T (p.Pro392Ser)

Gene: CPA1 (carboxypeptidase A1; plus strand). Cytogenetic location: 7q32.2.
Variant type: single nucleotide variant.
Coding change: c.1174C>T on transcript NM_001868.4 (MANE Select); coding-DNA position 1174, C replaced by T.
Protein change: p.Pro392Ser; replaces proline 392 with serine.
Molecular consequence: missense variant.
Genome position (GRCh38, 1-based): chr7:130,387,925, C>T. VCF-style: chr7-130387925-C-T. GRCh37 (hg19) VCF-style: chr7-130027766-C-T.
Other names: short protein forms P392S.
Identifiers: ClinVar variation 3269101 (VCV003269101.1).
Genomic context (GRCh38, chr7:130,387,925, plus strand): 5'-GGCATCAAGTACTCCTTCACCTTCGAGCTCCGGGACACTGGGCGCTATGGCTTCCTGCTG[C>T]CAGCCTCCCAGATCATCCCCACAGCCAAGGAGACGTGGCTGGCGCTTCTGACCATCATGG-3'
Protein context (NP_001859.1, residues 382-402): RDTGRYGFLL[Pro392Ser]ASQIIPTAKE